The following is an entry in ClinVar:

ClinVar aggregate classification (germline): Uncertain significance (1 of 4 stars; one submission).

Allele frequency attached by ClinVar (database versions not stated): gnomAD exomes below 0.00001.
gnomAD v4.1: 1 of 1,614,138 alleles (0.000062%); highest among the groups gnomAD compares: Non-Finnish European, 0.000085%; no homozygotes.

Submission:

Labcorp Genetics (formerly Invitae), Labcorp
Classification: Uncertain significance. Last evaluated: 2021-08-19. Review status: criteria provided, single submitter. Criteria: Invitae Variant Classification Sherloc (09022015). Collection method: clinical testing. Allele origin: germline.
Comment: In summary, the available evidence is currently insufficient to determine the role of this variant in disease. Therefore, it has been classified as a Variant of Uncertain Significance. Algorithms developed to predict the effect of missense changes on protein structure and function (SIFT, PolyPhen-2, Align-GVGD) all suggest that this variant is likely to be disruptive. This variant has not been reported in the literature in individuals affected with KLHL7-related conditions. This variant is not present in population databases (ExAC no frequency). This sequence change replaces threonine with isoleucine at codon 576 of the KLHL7 protein (p.Thr576Ile). The threonine residue is highly conserved and there is a moderate physicochemical difference between threonine and isoleucine.

NM_001031710.3(KLHL7):c.1727C>T (p.Thr576Ile)

Gene: KLHL7 (kelch like family member 7; plus strand). Cytogenetic location: 7p15.3.
Variant type: single nucleotide variant.
Coding change: c.1727C>T on transcript NM_001031710.3 (MANE Select); coding-DNA position 1727, C replaced by T.
Protein change: p.Thr576Ile; replaces threonine 576 with isoleucine.
Molecular consequence: missense variant. On other transcripts: non-coding transcript variant (1).
Genome position (GRCh38, 1-based): chr7:23,174,264, C>T. VCF-style: chr7-23174264-C-T. GRCh37 (hg19) VCF-style: chr7-23213883-C-T.
Other names: c.1583C>T, p.Thr528Ile (NM_018846.5); short protein forms T576I, T528I.
Identifiers: ClinVar variation 1376188 (VCV001376188.6), dbSNP rs2128470630, ClinGen allele CA366982908.